The following is an entry in ClinVar:

NM_000218.3(KCNQ1):c.1394-10848C>G

Genes: KCNQ1 (potassium voltage-gated channel subfamily Q member 1; plus strand), KCNQ1OT1 (KCNQ1 opposite strand/antisense transcript 1; minus strand). Cytogenetic location: 11p15.5.
Variant type: single nucleotide variant.
Coding change: c.1394-10848C>G on transcript NM_000218.3 (MANE Select); 10848 bases into the intron before coding-DNA position 1394, C replaced by G.
Molecular consequence: intron variant.
Genome position (GRCh38, 1-based): chr11:2,651,113, C>G. VCF-style: chr11-2651113-C-G. GRCh37 (hg19) VCF-style: chr11-2672343-C-G.
Other names: c.1124-10848C>G (NM_001406837.1); c.1298-10848C>G (NM_001406836.1); c.854-10848C>G (NM_001406838.1); c.1013-10848C>G (NM_181798.2).
Identifiers: ClinVar variation 1711289 (VCV001711289.30), dbSNP rs79220673, ClinGen allele CA216162958.
Genomic context (GRCh38, chr11:2,651,113, plus strand): 5'-CTACATTGTTGTCCATACCTCATTACTGGTCTCTTGATTTCCACTCTTGCTTCCTGTACT[C>G]CATTCTTCACATAACAGCTCAAGGGAGTTCTTTAAATGTACAGTGGATCTTGCTGCTTCC-3'

ClinVar aggregate classification (germline): Benign (1 of 4 stars; one submission).

Allele frequency attached by ClinVar (database versions not stated): 1000 Genomes Project 0.00339; 1000 Genomes Project 30x 0.00359; TOPMed 0.00588; gnomAD exomes 0.00701.
gnomAD v4.1: 2,605 of 398,682 alleles (0.65%); highest among the groups gnomAD compares: Middle Eastern, 1.4%; 23 homozygotes.

Submission:

CeGaT Center for Human Genetics Tuebingen
Classification: Benign. Last evaluated: 2026-09-01. Review status: criteria provided, single submitter. Criteria: CeGaT Center For Human Genetics Tuebingen Variant Classification Criteria Version 2. Collection method: clinical testing. Allele origin: germline. Affected: yes. Observed: 106 variant alleles.
Comment: KCNQ1: BS1, BS2; KCNQ1OT1: BS1, BS2